The following is an entry in ClinVar:

ClinVar aggregate classification (germline): Likely pathogenic (1 of 4 stars; one submission).

Conditions:
Ellis-van Creveld syndrome (EVC). Also called: Chondroectodermal dysplasia; MESOECTODERMAL DYSPLASIA. Identifiers: Orphanet 289, MedGen C0013903, MONDO:0009162, OMIM 225500.

Submission:

Myriad Genetics, Inc.
Classification: Likely pathogenic for Ellis-van Creveld syndrome. Last evaluated: 2025-07-25. Review status: criteria provided, single submitter. Criteria: Myriad Autosomal Dominant, Autosomal Recessive and X-Linked Classification Criteria (2023). Collection method: clinical testing. Allele origin: unknown.
Comment: NM_147127.4(EVC2):c.1887-2A>C is a variant in a canonical splice site classified as likely pathogenic in the context of EVC2-related Ellis-van Creveld syndrome. c.1887-2A>C has not been observed in cases with relevant disease. Relevant functional assessments of this variant are not available in the literature. c.1887-2A>C has not been observed in referenced population frequency databases. In summary, NM_147127.4(EVC2):c.1887-2A>C is a variant in a canonical splice site in a gene where loss of function is a known mechanism of disease and is predicted to disrupt protein function. Please note: this variant was assessed in the context of healthy population screening.

NM_147127.5(EVC2):c.1887-2A>C

Gene: EVC2 (EvC ciliary complex subunit 2; minus strand). Cytogenetic location: 4p16.2.
Variant type: single nucleotide variant.
Coding change: c.1887-2A>C on transcript NM_147127.5 (MANE Select); the canonical splice acceptor site of the intron before coding-DNA position 1887, A replaced by C.
Molecular consequence: splice acceptor variant.
Genome position (GRCh38, 1-based): chr4:5,625,910, T>G on the plus strand (A>C on the coding strand, the complement: EVC2 is on the minus strand). VCF-style: chr4-5625910-T-G. GRCh37 (hg19) VCF-style: chr4-5627637-T-G.
Other names: c.1647-2A>C (NM_001166136.2).
Identifiers: ClinVar variation 5004076 (VCV005004076.1).